The following is an entry in ClinVar:

ClinVar aggregate classification (germline): Pathogenic/Likely pathogenic. Review status: criteria provided, multiple submitters, no conflicts (2 of 4 stars). 2 submissions from 2 submitters: Pathogenic (1); Likely pathogenic (1). Last evaluated 2022-09-07.

Conditions:
AUTS2-related disorder. Also called: AUTS2-related condition.
Autism spectrum disorder due to AUTS2 deficiency (MRD26). Also called: INTELLECTUAL DEVELOPMENTAL DISORDER, AUTOSOMAL DOMINANT 26. Identifiers: Orphanet 352490, MedGen C4014435, MONDO:0014361, OMIM 615834.

Submissions (2):

Department of Genetics, Rouen University Hospital, Normandy Center for Genomic and Personalized Medicine
Classification: Pathogenic for Autism spectrum disorder due to AUTS2 deficiency. Last evaluated: 2022-09-07. Review status: criteria provided, single submitter. Criteria: ACMG Guidelines, 2015. Collection method: clinical testing. Allele origin: de novo. Affected: yes.

PreventionGenetics, part of Exact Sciences
Classification: Likely pathogenic for AUTS2-related condition. Last evaluated: 2022-08-24. Review status: criteria provided, single submitter. Criteria: ACMG Guidelines, 2015. Collection method: clinical testing. Allele origin: germline.
Comment: The AUTS2 c.940C>T variant is predicted to result in premature protein termination (p.Gln314*). To our knowledge, this variant has not been reported in the literature or in a large population database, indicating this variant is rare. Nonsense variants in AUTS2 are expected to be pathogenic. This variant is interpreted as likely pathogenic.

NM_015570.4(AUTS2):c.940C>T (p.Gln314Ter)

Gene: AUTS2 (activator of transcription and developmental regulator AUTS2; plus strand). Cytogenetic location: 7q11.22.
Variant type: single nucleotide variant.
Coding change: c.940C>T on transcript NM_015570.4 (MANE Select); coding-DNA position 940, C replaced by T.
Protein change: p.Gln314Ter; replaces glutamine 314 with a stop codon.
Molecular consequence: nonsense.
Genome position (GRCh38, 1-based): chr7:70,763,067, C>T. VCF-style: chr7-70763067-C-T. GRCh37 (hg19) VCF-style: chr7-70228053-C-T.
Other names: c.940C>T, p.Gln314Ter (NM_001127231.3); c.940C>T (NM_015570.3); short protein forms Q314*.
Identifiers: ClinVar variation 2429962 (VCV002429962.3), dbSNP rs2484637496, ClinGen allele CA367667520.